The following is an entry in ClinVar:

ClinVar aggregate classification (germline): Uncertain significance. Review status: criteria provided, single submitter (1 of 4 stars). 2 submissions from 2 submitters: Uncertain significance (1). 1 of the submissions does not count toward it. Last evaluated 2019-03-25.

Conditions:
CFTR-related disorder (CFTR-RD). Also called: CFTR-related disorders; CFTR-related condition. Identifiers: MedGen C5924204, MONDO:7770004.

Allele frequency attached by ClinVar (database versions not stated): 1000 Genomes Project 30x 0.00016; gnomAD 0.00019 and 0.00018; 1000 Genomes Project 0.00020; ESP Exome Variant Server 0.00015; TOPMed 0.00016; ExAC 0.00021.
gnomAD v4.1: 257 of 1,032,066 alleles (0.025%); highest among the groups gnomAD compares: Non-Finnish European, 0.028%; 1 homozygote.

Submissions (2):

Quest Diagnostics Nichols Institute San Juan Capistrano
Classification: Uncertain significance. Last evaluated: 2019-03-25. Review status: criteria provided, single submitter. Criteria: Quest Diagnostics criteria. Collection method: clinical testing. Allele origin: germline.

PreventionGenetics, part of Exact Sciences
Classification: Likely benign for CFTR-related condition. Last evaluated: 2023-10-05. Review status: no assertion criteria provided. Collection method: clinical testing. Allele origin: germline. Not counted in ClinVar's aggregate classification.
Comment: This variant is classified as likely benign based on ACMG/AMP sequence variant interpretation guidelines (Richards et al. 2015 PMID: 25741868, with internal and published modifications).

NM_000492.4(CFTR):c.1209+28C>T

Gene: CFTR (CF transmembrane conductance regulator; plus strand). Cytogenetic location: 7q31.2.
Variant type: single nucleotide variant.
Coding change: c.1209+28C>T on transcript NM_000492.4 (MANE Select); 28 bases into the intron after coding-DNA position 1209, C replaced by T.
Molecular consequence: intron variant.
Genome position (GRCh38, 1-based): chr7:117,542,136, C>T. VCF-style: chr7-117542136-C-T. GRCh37 (hg19) VCF-style: chr7-117182190-C-T.
Identifiers: ClinVar variation 801146 (VCV000801146.4), dbSNP rs370653287, ClinGen allele CA4450930.
Genomic context (GRCh38, chr7:117,542,136, plus strand): 5'-GTGATGGAGAATGTAACAGCCTTCTGGGAGGAGGTCAGAATTTTTAAAAAATTGTTTGCT[C>T]TAAACACCTAACTGTTTTCTTCTTTGTGAATATGGATTTCATCCTAATGGCGAATAAAAT-3'